The following is an entry in ClinVar:

NM_006517.5(SLC16A2):c.364G>C (p.Gly122Arg)

Gene: SLC16A2 (solute carrier family 16 member 2; plus strand). Cytogenetic location: Xq13.2.
Variant type: single nucleotide variant.
Coding change: c.364G>C on transcript NM_006517.5 (MANE Select); coding-DNA position 364, G replaced by C.
Protein change: p.Gly122Arg; replaces glycine 122 with arginine.
Molecular consequence: missense variant.
Genome position (GRCh38, 1-based): chrX:74,422,001, G>C. VCF-style: chrX-74422001-G-C. GRCh37 (hg19) VCF-style: chrX-73641836-G-C.
Other names: short protein forms G122R.
Identifiers: ClinVar variation 4631014 (VCV004631014.1).
Genomic context (GRCh38, chrX:74,422,001, plus strand): 5'-GTGGTGGTGTTCGCTGCCACCTGGTGCAACGGCTCCATCTTCGGCATCCATAACTCTGTC[G>C]GGATCCTCTACTCCATGCTGCTAGAGGAGGAAAAGGAAAAAAATCGCCAAGTGGAGTTCC-3'
Protein context (NP_006508.2, residues 112-132): GSIFGIHNSV[Gly122Arg]ILYSMLLEEE

ClinVar aggregate classification (germline): Likely pathogenic (1 of 4 stars; one submission).

Conditions:
Inborn genetic diseases. Identifiers: MedGen C0950123, MeSH D030342.

Submission:

Ambry Genetics
Classification: Likely pathogenic for Inborn genetic diseases. Last evaluated: 2025-11-13. Review status: criteria provided, single submitter. Criteria: Ambry Variant Classification Scheme 2023. Collection method: clinical testing. Allele origin: germline.
Comment: The c.586G>C (p.G196R) alteration, also referred to as c.364G>A (p.G122R), is located in coding exon 1 of the SLC16A2 gene. This alteration results from a G to C substitution at nucleotide position 586, causing the glycine (G) at amino acid position 196 to be replaced by an arginine (R). This variant was not reported in population-based cohorts in the Genome Aggregation Database (gnomAD). This amino acid position is highly conserved in available vertebrate species. This alteration is predicted to be deleterious by in silico analysis. Based on the available evidence, this alteration is classified as likely pathogenic.